The following is an entry in ClinVar:

ClinVar aggregate classification (germline): Likely benign (1 of 4 stars; one submission).

Allele frequency attached by ClinVar (database versions not stated): gnomAD 0.00380 and 0.00406; TOPMed 0.00441; 1000 Genomes Project 0.00499; 1000 Genomes Project 30x 0.00515.
gnomAD v4.1: 868 of 841,050 alleles (0.1%); highest among the groups gnomAD compares: African/African-American, 1.3%; 1 homozygote.

Submission:

GeneDx
Classification: Likely benign. Last evaluated: 2021-10-19. Review status: criteria provided, single submitter. Criteria: GeneDx Variant Classification Process June 2021. Collection method: clinical testing. Allele origin: germline. Affected: yes.
Comment: See Variant Classification Assertion Criteria.

NM_020964.3(EPG5):c.3694-151G>A

Gene: EPG5 (ectopic P-granules 5 autophagy tethering factor; minus strand). Cytogenetic location: 18q21.1.
Variant type: single nucleotide variant.
Coding change: c.3694-151G>A on transcript NM_020964.3 (MANE Select); 151 bases into the intron before coding-DNA position 3694, G replaced by A.
Molecular consequence: intron variant.
Genome position (GRCh38, 1-based): chr18:45,913,979, C>T on the plus strand (G>A on the coding strand, the complement: EPG5 is on the minus strand). VCF-style: chr18-45913979-C-T. GRCh37 (hg19) VCF-style: chr18-43493944-C-T.
Identifiers: ClinVar variation 1678700 (VCV001678700.2), dbSNP rs140981196, ClinGen allele CA299763026.